The following is an entry in ClinVar:

ClinVar aggregate classification (germline): Uncertain significance (1 of 4 stars; one submission).

Conditions:
Charcot-Marie-Tooth disease type 2. Also called: Charcot-Marie-Tooth type 2. Identifiers: Orphanet 64746, MedGen C0270914, MONDO:0018993.

Allele frequency attached by ClinVar (database versions not stated): TOPMed below 0.00001.
gnomAD v4.1: 24 of 1,611,142 alleles (0.0015%); highest among the groups gnomAD compares: Non-Finnish European, 0.0018%; no homozygotes.

Submission:

Labcorp Genetics (formerly Invitae), Labcorp
Classification: Uncertain significance for Charcot-Marie-Tooth disease type 2. Last evaluated: 2021-08-24. Review status: criteria provided, single submitter. Criteria: Invitae Variant Classification Sherloc (09022015). Collection method: clinical testing. Allele origin: germline.
Comment: This sequence change replaces proline with arginine at codon 387 of the MED25 protein (p.Pro387Arg). The proline residue is moderately conserved and there is a moderate physicochemical difference between proline and arginine. This variant is not present in population databases (ExAC no frequency). This variant has not been reported in the literature in individuals affected with MED25-related conditions. Algorithms developed to predict the effect of missense changes on protein structure and function are either unavailable or do not agree on the potential impact of this missense change (SIFT: "Deleterious"; PolyPhen-2: "Benign"; Align-GVGD: "Class C0"). In summary, the available evidence is currently insufficient to determine the role of this variant in disease. Therefore, it has been classified as a Variant of Uncertain Significance.

NM_030973.4(MED25):c.1160C>G (p.Pro387Arg)

Gene: MED25 (mediator complex subunit 25; plus strand). Cytogenetic location: 19q13.33.
Variant type: single nucleotide variant.
Coding change: c.1160C>G on transcript NM_030973.4 (MANE Select); coding-DNA position 1160, C replaced by G.
Protein change: p.Pro387Arg; replaces proline 387 with arginine.
Molecular consequence: missense variant.
Genome position (GRCh38, 1-based): chr19:49,831,391, C>G. VCF-style: chr19-49831391-C-G. GRCh37 (hg19) VCF-style: chr19-50334648-C-G.
Other names: c.1160C>G, p.Pro387Arg (NM_001378355.1); short protein forms P387R.
Identifiers: ClinVar variation 657132 (VCV000657132.6), dbSNP rs1433808506, ClinGen allele CA406916296.